The following is an entry in ClinVar:

ClinVar aggregate classification (germline): Likely pathogenic (1 of 4 stars; one submission).

Conditions:
Autosomal recessive limb-girdle muscular dystrophy type 2W (MDRCMTT). Also called: Muscular dystrophy, autosomal recessive, with cardiomyopathy and triangular tongue; Muscular dystrophy, limb-girdle, type 2W. Identifiers: MedGen C4225192, MONDO:0014788, OMIM 616827.

Submission:

Neuberg Centre For Genomic Medicine, NCGM
Classification: Likely pathogenic for Autosomal recessive limb-girdle muscular dystrophy type 2W. Review status: criteria provided, single submitter. Criteria: ACMG Guidelines, 2015. Collection method: clinical testing. Allele origin: germline. Inheritance: Autosomal recessive inheritance. Affected: yes.
Comment: The splice donor variant c.310+1G>T in LIMS2 gene has not been reported previously as a pathogenic variant nor as a benign variant, to our knowledge. The variant is novel (not in any individuals) in gnomAD Exomes and 1000 Genomes. The nucleotide change in LIMS2 is predicted as conserved by GERP++ and PhyloP across 100 vertebrates. For these reasons, this variant has been classified as Likely Pathogenic.

NM_001161403.3(LIMS2):c.238+1G>T

Gene: LIMS2 (LIM zinc finger domain containing 2; minus strand). Cytogenetic location: 2q14.3.
Variant type: single nucleotide variant.
Coding change: c.238+1G>T on transcript NM_001161403.3 (MANE Select); the canonical splice donor site of the intron after coding-DNA position 238, G replaced by T.
Molecular consequence: splice donor variant.
Genome position (GRCh38, 1-based): chr2:127,654,829, C>A on the plus strand (G>T on the coding strand, the complement: LIMS2 is on the minus strand). VCF-style: chr2-127654829-C-A. GRCh37 (hg19) VCF-style: chr2-128412403-C-A.
Other names: c.223+1G>T (NM_001161404.2); c.304+1G>T (NM_001136037.4); c.310+1G>T (NM_017980.5).
Identifiers: ClinVar variation 2585055 (VCV002585055.1), dbSNP rs1416116174, ClinGen allele CA348431554.